The following is an entry in ClinVar:

ClinVar aggregate classification (germline): Likely benign (1 of 4 stars; one submission).

Submission:

CeGaT Center for Human Genetics Tuebingen
Classification: Likely benign. Last evaluated: 2023-10-01. Review status: criteria provided, single submitter. Criteria: CeGaT Center For Human Genetics Tuebingen Variant Classification Criteria Version 2. Collection method: clinical testing. Allele origin: germline. Affected: yes. Observed: 1 variant allele.
Comment: TNFRSF1A: BS1

NM_001065.4(TNFRSF1A):c.551+1066_551+1068del

Gene: TNFRSF1A (TNF receptor superfamily member 1A; minus strand). Cytogenetic location: 12p13.31.
Variant type: Deletion.
Coding change: c.551+1066_551+1068del on transcript NM_001065.4 (MANE Select); bases 1066 to 1068 of the intron after coding-DNA position 551, 3 bases deleted (TTT; older notation c.551+1066_551+1068delTTT).
Molecular consequence: intron variant.
Genome position (GRCh38, 1-based): chr12:6,332,001-6,332,003, AAA deleted on the plus strand (TTT on the coding strand, the reverse complement: TNFRSF1A is on the minus strand); deleting any 3 consecutive bases within chr12:6,332,001-6,332,024 gives the same sequence; the c. name uses the placement nearest the transcript's 3' end. VCF-style (leftmost placement, unchanged base first): chr12-6332000-CAAA-C. GRCh37 (hg19) VCF-style: chr12-6441166-CAAA-C.
Other names: c.227+1066_227+1068del (NM_001346091.2); c.-26-10_-26-8del (NM_001346092.2).
Identifiers: ClinVar variation 2642613 (VCV002642613.24), dbSNP rs750532640, ClinGen allele CA603109305.